The following is an entry in ClinVar:

NM_015100.4(POGZ):c.4179G>A (p.Glu1393=)

Gene: POGZ (pogo transposable element derived with ZNF domain; minus strand). Cytogenetic location: 1q21.3.
Variant type: single nucleotide variant.
Coding change: c.4179G>A on transcript NM_015100.4 (MANE Select); coding-DNA position 4179, G replaced by A.
Protein change: p.Glu1393=; no amino-acid change (glutamic acid 1393 retained).
Molecular consequence: synonymous variant.
Genome position (GRCh38, 1-based): chr1:151,404,856, C>T on the plus strand (G>A on the coding strand, the complement: POGZ is on the minus strand). VCF-style: chr1-151404856-C-T. GRCh37 (hg19) VCF-style: chr1-151377332-C-T.
Other names: c.4152G>A, p.Glu1384= (NM_001194937.2); c.3993G>A, p.Glu1331= (NM_001194938.2); c.4200G>A, p.Glu1400= (NM_001410860.1); c.3894G>A, p.Glu1298= (NM_145796.4); c.4020G>A, p.Glu1340= (NM_207171.2).
Identifiers: ClinVar variation 4823206 (VCV004823206.4).

ClinVar aggregate classification (germline): Likely benign (1 of 4 stars; one submission).

gnomAD v4.1: 2 of 1,613,914 alleles (0.00012%); highest among the groups gnomAD compares: East Asian, 0.0045%; no homozygotes.

Submission:

CeGaT Center for Human Genetics Tuebingen
Classification: Likely benign. Last evaluated: 2026-02-01. Review status: criteria provided, single submitter. Criteria: CeGaT Center For Human Genetics Tuebingen Variant Classification Criteria Version 2. Collection method: clinical testing. Allele origin: germline. Affected: yes. Observed: 1 variant allele.
Comment: POGZ: BP4, BP7